The following is an entry in ClinVar:

ClinVar aggregate classification (germline): Likely benign. Review status: criteria provided, single submitter (1 of 4 stars). 2 submissions from 2 submitters: Likely benign (1). 1 of the submissions does not count toward it. Last evaluated 2025-05-01.

Conditions:
DOK7-related disorder. Also called: DOK7-related condition.

Allele frequency attached by ClinVar (database versions not stated): 1000 Genomes Project 30x 0.00078; 1000 Genomes Project 0.00080.
gnomAD v4.1: 340 of 1,535,776 alleles (0.022%); highest among the groups gnomAD compares: African/African-American, 0.36%; no homozygotes.

Submissions (2):

CeGaT Center for Human Genetics Tuebingen
Classification: Likely benign. Last evaluated: 2025-05-01. Review status: criteria provided, single submitter. Criteria: CeGaT Center For Human Genetics Tuebingen Variant Classification Criteria Version 2. Collection method: clinical testing. Allele origin: germline. Affected: yes. Observed: 2 variant alleles.
Comment: DOK7: BP4, BP7

PreventionGenetics, part of Exact Sciences
Classification: Likely benign for DOK7-related condition. Last evaluated: 2024-09-08. Review status: no assertion criteria provided. Collection method: clinical testing. Allele origin: germline. Not counted in ClinVar's aggregate classification.
Comment: This variant is classified as likely benign based on ACMG/AMP sequence variant interpretation guidelines (Richards et al. 2015 PMID: 25741868, with internal and published modifications).

NM_001301071.2(DOK7):c.1554C>G (p.Pro518=)

Gene: DOK7 (docking protein 7; plus strand). Cytogenetic location: 4p16.3.
Variant type: single nucleotide variant.
Coding change: c.1554C>G on transcript NM_001301071.2; coding-DNA position 1554, C replaced by G.
Protein change: p.Pro518=; no amino-acid change (proline 518 retained).
Molecular consequence: synonymous variant.
Genome position (GRCh38, 1-based): chr4:3,500,264, C>G. VCF-style: chr4-3500264-C-G. GRCh37 (hg19) VCF-style: chr4-3501991-C-G.
Other names: c.1122C>G, p.Pro374= (NM_001363811.2).
Identifiers: ClinVar variation 3034441 (VCV003034441.15), dbSNP rs573164406, ClinGen allele CA2829617.